The following is an entry in ClinVar:

NM_002485.5(NBN):c.1170A>G (p.Glu390=)

Gene: NBN (nibrin; minus strand). Cytogenetic location: 8q21.3.
Variant type: single nucleotide variant.
Coding change: c.1170A>G on transcript NM_002485.5 (MANE Select); coding-DNA position 1170, A replaced by G.
Protein change: p.Glu390=; no amino-acid change (glutamic acid 390 retained).
Molecular consequence: synonymous variant.
Genome position (GRCh38, 1-based): chr8:89,955,510, T>C on the plus strand (A>G on the coding strand, the complement: NBN is on the minus strand). VCF-style: chr8-89955510-T-C. GRCh37 (hg19) VCF-style: chr8-90967738-T-C.
Other names: c.924A>G, p.Glu308= (NM_001024688.3).
Identifiers: ClinVar variation 461492 (VCV000461492.17), dbSNP rs1554559326, ClinGen allele CA462115050.

ClinVar aggregate classification (germline): Conflicting classifications of pathogenicity. Review status: criteria provided, conflicting classifications (1 of 4 stars). 3 submissions from 3 submitters: Uncertain significance (1); Likely benign (2). Last evaluated 2026-01-17.

Conditions:
Microcephaly, normal intelligence and immunodeficiency (NBS). Also called: Immunodeficiency, microcephaly with normal intelligence; Nijmegen breakage syndrome; Microcephaly with normal intelligence immunodeficiency and lymphoreticular malignancies; Nonsyndromal microcephaly autosomal recessive with normal intelligence; Seemanova syndrome 2; Ataxia telangiectasia variant V1. Identifiers: Orphanet 647, MedGen C0398791, MONDO:0009623, OMIM 251260.
Hereditary cancer-predisposing syndrome. Also called: Neoplastic Syndromes, Hereditary; Tumor predisposition; Hereditary neoplastic syndrome; Hereditary Cancer Syndrome. Identifiers: Orphanet 140162, MedGen C0027672, MeSH D009386, MONDO:0015356.

Submissions (3):

Labcorp Genetics (formerly Invitae), Labcorp
Classification: Likely benign for Microcephaly, normal intelligence and immunodeficiency. Last evaluated: 2026-01-17. Review status: criteria provided, single submitter. Criteria: Invitae Variant Classification Sherloc (09022015). Collection method: clinical testing. Allele origin: germline.

GeneDx
Classification: Uncertain significance. Last evaluated: 2024-07-11. Review status: criteria provided, single submitter. Criteria: GeneDx Variant Classification Process June 2021. Collection method: clinical testing. Allele origin: germline.
Comment: Not observed at significant frequency in large population cohorts (gnomAD); In silico analysis indicates that this variant does not alter splicing; Has not been previously published as pathogenic or benign to our knowledge

Ambry Genetics
Classification: Likely benign for Hereditary cancer-predisposing syndrome. Last evaluated: 2021-10-25. Review status: criteria provided, single submitter. Criteria: Ambry Variant Classification Scheme 2023. Collection method: clinical testing. Allele origin: germline.